The following is an entry in ClinVar:

NM_000191.3(HMGCL):c.604C>T (p.Leu202=)

Gene: HMGCL (3-hydroxy-3-methylglutaryl-CoA lyase; minus strand). Cytogenetic location: 1p36.11.
Variant type: single nucleotide variant.
Coding change: c.604C>T on transcript NM_000191.3 (MANE Select); coding-DNA position 604, C replaced by T.
Protein change: p.Leu202=; no amino-acid change (leucine 202 retained).
Molecular consequence: synonymous variant.
Genome position (GRCh38, 1-based): chr1:23,808,281, G>A on the plus strand (C>T on the coding strand, the complement: HMGCL is on the minus strand). VCF-style: chr1-23808281-G-A. GRCh37 (hg19) VCF-style: chr1-24134771-G-A.
Other names: c.391C>T, p.Leu131= (NM_001166059.2).
Identifiers: ClinVar variation 512109 (VCV000512109.14), dbSNP rs146602259, ClinGen allele CA686019.

ClinVar aggregate classification (germline): Likely benign. Review status: criteria provided, multiple submitters, no conflicts (2 of 4 stars). 4 submissions from 4 submitters: Likely benign (3). 1 of the submissions does not count toward it. Last evaluated 2025-12-30.

Conditions:
Deficiency of hydroxymethylglutaryl-CoA lyase (HMGCLD). Also called: HMGCL DEFICIENCY; HYDROXYMETHYLGLUTARIC ACIDURIA; HMG-CoA LYASE DEFICIENCY; Defect in leucine metabolism; 3-hydroxy-3-methylglutaric aciduria. Identifiers: Orphanet 20, MedGen C1533587, MONDO:0009520, OMIM 246450.
HMGCL-related disorder. Also called: HMGCL-related condition.

Allele frequency attached by ClinVar (database versions not stated): gnomAD exomes 0.00005 and 0.00008; ExAC 0.00009; gnomAD 0.00027 and 0.00029; TOPMed 0.00028; 1000 Genomes Project 30x 0.00031; ESP Exome Variant Server 0.00031; 1000 Genomes Project 0.00040.

Submissions (4):

Labcorp Genetics (formerly Invitae), Labcorp
Classification: Likely benign for Deficiency of hydroxymethylglutaryl-CoA lyase. Last evaluated: 2025-12-30. Review status: criteria provided, single submitter. Criteria: Invitae Variant Classification Sherloc (09022015). Collection method: clinical testing. Allele origin: germline.

Genome-Nilou Lab
Classification: Likely benign for Deficiency of hydroxymethylglutaryl-CoA lyase. Last evaluated: 2023-04-11. Review status: criteria provided, single submitter. Criteria: ACMG Guidelines, 2015. Collection method: clinical testing. Allele origin: germline. Affected: no.

GeneDx
Classification: Likely benign. Last evaluated: 2017-10-02. Review status: criteria provided, single submitter. Criteria: GeneDx Variant Classification (06012015). Collection method: clinical testing. Allele origin: germline. Affected: yes.
Comment: This variant is considered likely benign or benign based on one or more of the following criteria: it is a conservative change, it occurs at a poorly conserved position in the protein, it is predicted to be benign by multiple in silico algorithms, and/or has population frequency not consistent with disease.

PreventionGenetics, part of Exact Sciences
Classification: Likely benign for HMGCL-related condition. Last evaluated: 2019-07-14. Review status: no assertion criteria provided. Collection method: clinical testing. Allele origin: germline. Not counted in ClinVar's aggregate classification.
Comment: This variant is classified as likely benign based on ACMG/AMP sequence variant interpretation guidelines (Richards et al. 2015 PMID: 25741868, with internal and published modifications).